The following is an entry in ClinVar:

NM_000326.5(RLBP1):c.602T>C (p.Ile201Thr)

Gene: RLBP1 (retinaldehyde binding protein 1; minus strand). Cytogenetic location: 15q26.1.
Variant type: single nucleotide variant.
Coding change: c.602T>C on transcript NM_000326.5 (MANE Select); coding-DNA position 602, T replaced by C.
Protein change: p.Ile201Thr; replaces isoleucine 201 with threonine.
Molecular consequence: missense variant.
Genome position (GRCh38, 1-based): chr15:89,211,825, A>G on the plus strand (T>C on the coding strand, the complement: RLBP1 is on the minus strand). VCF-style: chr15-89211825-A-G. GRCh37 (hg19) VCF-style: chr15-89755056-A-G.
Other names: short protein forms I201T.
Identifiers: ClinVar variation 812398 (VCV000812398.7), dbSNP rs138965708, ClinGen allele CA7722237.

ClinVar aggregate classification (germline): Conflicting classifications of pathogenicity. Review status: criteria provided, conflicting classifications (1 of 4 stars). 5 submissions from 5 submitters: Likely pathogenic (2); Uncertain significance (2). 1 of the submissions does not count toward it. Last evaluated 2023-10-10.

Conditions:
RLBP1-related disorder. Also called: RLBP1-related condition; RLBP1-related disorders. Identifiers: MedGen CN239413.
Pigmentary retinal dystrophy. Also called: Fundus albipunctatus. Identifiers: Orphanet 227796, Orphanet 52427, MedGen C0311338, MONDO:0007639, OMIM 136880, HP:0030642.
Bothnia retinal dystrophy. Also called: VASTERBOTTEN DYSTROPHY. Identifiers: Orphanet 85128, MedGen C1843816, MONDO:0011838, OMIM 607475.
Newfoundland cone-rod dystrophy. Identifiers: MedGen C1843815, MONDO:0011839, OMIM 607476.
Retinal dystrophy. Also called: Inherited retinal dystrophy. Identifiers: Orphanet 71862, MedGen C0854723, MeSH D058499, MONDO:0019118, HP:0000556.

Allele frequency attached by ClinVar (database versions not stated): ExAC 0.00002; gnomAD exomes 0.00002 and 0.00007; gnomAD 0.00003; TOPMed 0.00006; ESP Exome Variant Server 0.00008.
gnomAD v4.1: 107 of 1,614,132 alleles (0.0066%); highest among the groups gnomAD compares: Non-Finnish European, 0.0086%; no homozygotes.

Submissions (5):

Blueprint Genetics
Classification: Likely pathogenic for RLBP1-related disorders. Last evaluated: 2023-10-10. Review status: criteria provided, single submitter. Criteria: ACMG Guidelines, 2015. Collection method: clinical testing. Allele origin: germline. Affected: yes. Observed: 5 variant alleles.

Dept Of Ophthalmology, Nagoya University
Classification: Likely pathogenic for Retinal dystrophy. Last evaluated: 2023-10-01. Review status: criteria provided, single submitter. Criteria: Submitter's publication. Collection method: research. Allele origin: germline. Affected: yes.

Labcorp Genetics (formerly Invitae), Labcorp
Classification: Uncertain significance. Last evaluated: 2022-07-20. Review status: criteria provided, single submitter. Criteria: Invitae Variant Classification Sherloc (09022015). Collection method: clinical testing. Allele origin: germline.
Comment: This sequence change replaces isoleucine, which is neutral and non-polar, with threonine, which is neutral and polar, at codon 201 of the RLBP1 protein (p.Ile201Thr). This variant is present in population databases (rs138965708, gnomAD 0.005%). This missense change has been observed in individual(s) with retinitis punctata albescens (PMID: 15234312). This variant is also known as Ile200Thr. ClinVar contains an entry for this variant (Variation ID: 812398). Algorithms developed to predict the effect of missense changes on protein structure and function (SIFT, PolyPhen-2, Align-GVGD) all suggest that this variant is likely to be disruptive. In summary, the available evidence is currently insufficient to determine the role of this variant in disease. Therefore, it has been classified as a Variant of Uncertain Significance.

Fulgent Genetics
Classification: Uncertain significance for Pigmentary retinal dystrophy; Bothnia retinal dystrophy; Newfoundland cone-rod dystrophy. Last evaluated: 2021-11-24. Review status: criteria provided, single submitter. Criteria: ACMG Guidelines, 2015. Collection method: clinical testing. Allele origin: unknown.

Sharon lab, Hadassah-Hebrew University Medical Center
Classification: Likely pathogenic for Fundus albipunctatus. Last evaluated: 2019-06-23. Review status: no assertion criteria provided. Collection method: research. Allele origin: inherited. Affected: yes. Not counted in ClinVar's aggregate classification.

Literature cited by the submitters: PubMed 15234312 (cited by Labcorp Genetics (formerly Invitae), Labcorp).